The following is an entry in ClinVar:

NM_001379200.1(TBX1):c.1379A>T (p.His460Leu)

Gene: TBX1 (T-box transcription factor 1; plus strand). Cytogenetic location: 22q11.21.
Variant type: single nucleotide variant.
Coding change: c.1379A>T on transcript NM_001379200.1 (MANE Select); coding-DNA position 1379, A replaced by T.
Protein change: p.His460Leu; replaces histidine 460 with leucine.
Molecular consequence: missense variant. On other transcripts: intron variant (2).
Genome position (GRCh38, 1-based): chr22:19,766,731, A>T. VCF-style: chr22-19766731-A-T. GRCh37 (hg19) VCF-style: chr22-19754254-A-T.
Other names: c.1352A>T, p.His451Leu (NM_080647.1); c.1009+729A>T (NM_005992.1, NM_080646.2); short protein forms H451L, H460L.
Identifiers: ClinVar variation 1438120 (VCV001438120.8), dbSNP rs1384737337, ClinGen allele CA410685209.

ClinVar aggregate classification (germline): Uncertain significance (1 of 4 stars; one submission).

Conditions:
DiGeorge syndrome. Also called: Catch22; THIRD AND FOURTH PHARYNGEAL POUCH SYNDROME. Identifiers: Orphanet 567, MedGen C0012236, MONDO:0008564, OMIM 188400.

Submission:

Labcorp Genetics (formerly Invitae), Labcorp
Classification: Uncertain significance for DiGeorge syndrome. Last evaluated: 2021-05-31. Review status: criteria provided, single submitter. Criteria: Invitae Variant Classification Sherloc (09022015). Collection method: clinical testing. Allele origin: germline.
Comment: In summary, the available evidence is currently insufficient to determine the role of this variant in disease. Therefore, it has been classified as a Variant of Uncertain Significance. Algorithms developed to predict the effect of missense changes on protein structure and function are either unavailable or do not agree on the potential impact of this missense change (SIFT: "Deleterious"; PolyPhen-2: "Possibly Damaging"; Align-GVGD: "Class C0"). This variant has not been reported in the literature in individuals with TBX1-related conditions. This variant is not present in population databases (ExAC no frequency). This sequence change replaces histidine with leucine at codon 451 of the TBX1 protein (p.His451Leu). The histidine residue is weakly conserved and there is a moderate physicochemical difference between histidine and leucine.